The following is an entry in ClinVar:

NM_004360.5(CDH1):c.2296-8C>T

Gene: CDH1 (cadherin 1; plus strand). Cytogenetic location: 16q22.1.
Variant type: single nucleotide variant.
Coding change: c.2296-8C>T on transcript NM_004360.5 (MANE Select); 8 bases into the intron before coding-DNA position 2296, C replaced by T.
Molecular consequence: intron variant.
Genome position (GRCh38, 1-based): chr16:68,829,646, C>T. VCF-style: chr16-68829646-C-T. GRCh37 (hg19) VCF-style: chr16-68863549-C-T.
Other names: c.748-8C>T (NM_001317185.2); c.331-8C>T (NM_001317186.2); c.2113-8C>T (NM_001317184.2).
Identifiers: ClinVar variation 705941 (VCV000705941.9), dbSNP rs1596972325, ClinGen allele CA915949328.

ClinVar aggregate classification (germline): Likely benign. Review status: criteria provided, multiple submitters, no conflicts (2 of 4 stars). 2 submissions from 2 submitters: Likely benign (2). Last evaluated 2025-04-10.

Conditions:
Hereditary diffuse gastric adenocarcinoma (HDGC). Also called: DIFFUSE GASTRIC AND LOBULAR BREAST CANCER SYNDROME. Identifiers: Orphanet 26106, MedGen C1708349, MONDO:0007648, OMIM 137215.

Allele frequency attached by ClinVar (database versions not stated): gnomAD exomes below 0.00001.
gnomAD v4.1: 1 of 1,614,054 alleles (0.000062%); highest among the groups gnomAD compares: Non-Finnish European, 0.000085%; no homozygotes.

Submissions (2):

Labcorp Genetics (formerly Invitae), Labcorp
Classification: Likely benign for Hereditary diffuse gastric adenocarcinoma. Last evaluated: 2025-04-10. Review status: criteria provided, single submitter. Criteria: Invitae Variant Classification Sherloc (09022015). Collection method: clinical testing. Allele origin: germline.

Myriad Genetics, Inc.
Classification: Likely benign for Hereditary diffuse gastric adenocarcinoma. Last evaluated: 2024-09-23. Review status: criteria provided, single submitter. Criteria: Myriad Autosomal Dominant, Autosomal Recessive and X-Linked Classification Criteria (2023). Collection method: clinical testing. Allele origin: unknown.
Comment: This variant is considered likely benign. This variant is intronic and is not expected to impact mRNA splicing.